The following is an entry in ClinVar:

NM_004999.4(MYO6):c.2159A>T (p.Lys720Met)

Gene: MYO6 (myosin VI; plus strand). Cytogenetic location: 6q14.1.
Variant type: single nucleotide variant.
Coding change: c.2159A>T on transcript NM_004999.4 (MANE Select); coding-DNA position 2159, A replaced by T.
Protein change: p.Lys720Met; replaces lysine 720 with methionine.
Molecular consequence: missense variant. On other transcripts: non-coding transcript variant (1).
Genome position (GRCh38, 1-based): chr6:75,879,901, A>T. VCF-style: chr6-75879901-A-T. GRCh37 (hg19) VCF-style: chr6-76589618-A-T.
Other names: c.2159A>T (NM_004999.3); c.2159A>T, p.Lys720Met (NM_001300899.2, NM_001368136.1, NM_001368137.1 and 2 more transcripts); c.2144A>T, p.Lys715Met (NM_001368138.1); short protein forms K715M, K720M.
Identifiers: ClinVar variation 1978175 (VCV001978175.6), dbSNP rs369292514, ClinGen allele CA3897316.

ClinVar aggregate classification (germline): Uncertain significance. Review status: criteria provided, multiple submitters, no conflicts (2 of 4 stars). 2 submissions from 2 submitters: Uncertain significance (2). Last evaluated 2024-10-07.

Conditions:
Inborn genetic diseases. Identifiers: MedGen C0950123, MeSH D030342.

Allele frequency attached by ClinVar (database versions not stated): TOPMed 0.00002; ESP Exome Variant Server 0.00008.
gnomAD v4.1: 12 of 1,614,062 alleles (0.00074%); highest among the groups gnomAD compares: African/African-American, 0.0093%; no homozygotes.

Submissions (2):

Ambry Genetics
Classification: Uncertain significance for Inborn genetic diseases. Last evaluated: 2024-10-07. Review status: criteria provided, single submitter. Criteria: Ambry Variant Classification Scheme 2023. Collection method: clinical testing. Allele origin: germline.

Labcorp Genetics (formerly Invitae), Labcorp
Classification: Uncertain significance. Last evaluated: 2022-07-12. Review status: criteria provided, single submitter. Criteria: Invitae Variant Classification Sherloc (09022015). Collection method: clinical testing. Allele origin: germline.
Comment: Algorithms developed to predict the effect of missense changes on protein structure and function are either unavailable or do not agree on the potential impact of this missense change (SIFT: "Tolerated"; PolyPhen-2: "Not Available"; Align-GVGD: "Class C0"). This sequence change replaces lysine, which is basic and polar, with methionine, which is neutral and non-polar, at codon 720 of the MYO6 protein (p.Lys720Met). This variant is present in population databases (rs369292514, gnomAD 0.008%). This variant has not been reported in the literature in individuals affected with MYO6-related conditions. In summary, the available evidence is currently insufficient to determine the role of this variant in disease. Therefore, it has been classified as a Variant of Uncertain Significance.